The following is an entry in ClinVar:

Single allele

Genes: CDC16 (cell division cycle 16; plus strand), CFAP97D2 (CFAP97 domain containing 2; plus strand), CHAMP1 (chromosome alignment maintaining phosphoprotein 1; plus strand), LINC01054 (long intergenic non-protein coding RNA 1054; minus strand), MIR4502 (microRNA 4502; plus strand) and 20 more. Cytogenetic location: 13q34.
Variant type: Deletion.
Identifiers: ClinVar variation 1878430 (VCV001878430.2).

ClinVar aggregate classification (germline): Pathogenic (1 of 4 stars; one submission).

Submission:

Genomic Medicine, Universita Cattolica del Sacro Cuore
Classification: Pathogenic. Last evaluated: 2022-12-21. Review status: criteria provided, single submitter. Criteria: ACMG/ClinGen CNV Guidelines, 2019. Collection method: clinical testing. Allele origin: de novo. Inheritance: Autosomal dominant inheritance. Affected: yes. Observed: 1 heterozygote.
Comment: The variant is de novo.